The following is an entry in ClinVar:

NM_000329.3(RPE65):c.598T>G (p.Phe200Val)

Gene: RPE65 (retinoid isomerohydrolase RPE65; minus strand). Cytogenetic location: 1p31.3.
Variant type: single nucleotide variant.
Coding change: c.598T>G on transcript NM_000329.3 (MANE Select); coding-DNA position 598, T replaced by G.
Protein change: p.Phe200Val; replaces phenylalanine 200 with valine.
Molecular consequence: missense variant.
Genome position (GRCh38, 1-based): chr1:68,440,898, A>C on the plus strand (T>G on the coding strand, the complement: RPE65 is on the minus strand). VCF-style: chr1-68440898-A-C. GRCh37 (hg19) VCF-style: chr1-68906581-A-C.
Other names: short protein forms F200V.
Identifiers: ClinVar variation 1382629 (VCV001382629.3), dbSNP rs1406145019, ClinGen allele CA340746933.

ClinVar aggregate classification (germline): Uncertain significance (1 of 4 stars; one submission).

Conditions:
Retinitis pigmentosa 20 (RP20). Identifiers: Orphanet 791, MedGen C3151086, MONDO:0013425, OMIM 613794.
Leber congenital amaurosis 2 (LCA2). Also called: Autosomal Recessive RPE65-Related Retinal Degeneration; AMAUROSIS CONGENITA OF LEBER II. Identifiers: Orphanet 65, MedGen C1859844, MONDO:0008765, OMIM 204100. Disease mechanism: loss of function.

Submission:

Labcorp Genetics (formerly Invitae), Labcorp
Classification: Uncertain significance for Leber congenital amaurosis 2; Retinitis pigmentosa 20. Last evaluated: 2022-08-31. Review status: criteria provided, single submitter. Criteria: Invitae Variant Classification Sherloc (09022015). Collection method: clinical testing. Allele origin: germline.
Comment: This sequence change replaces phenylalanine, which is neutral and non-polar, with valine, which is neutral and non-polar, at codon 200 of the RPE65 protein (p.Phe200Val). This variant is not present in population databases (gnomAD no frequency). This missense change has been observed in individual(s) with retinitis pigmentosa (Invitae). ClinVar contains an entry for this variant (Variation ID: 1382629). Algorithms developed to predict the effect of missense changes on protein structure and function (SIFT, PolyPhen-2, Align-GVGD) all suggest that this variant is likely to be tolerated. In summary, the available evidence is currently insufficient to determine the role of this variant in disease. Therefore, it has been classified as a Variant of Uncertain Significance.